The following is an entry in ClinVar:

NM_005188.4(CBL):c.1530C>G (p.Pro510=)

Gene: CBL (Cbl proto-oncogene; plus strand). Cytogenetic location: 11q23.3.
Variant type: single nucleotide variant.
Coding change: c.1530C>G on transcript NM_005188.4 (MANE Select); coding-DNA position 1530, C replaced by G.
Protein change: p.Pro510=; no amino-acid change (proline 510 retained).
Molecular consequence: synonymous variant.
Genome position (GRCh38, 1-based): chr11:119,285,067, C>G. VCF-style: chr11-119285067-C-G. GRCh37 (hg19) VCF-style: chr11-119155777-C-G.
Identifiers: ClinVar variation 1774611 (VCV001774611.6), dbSNP rs747715766, ClinGen allele CA477374983.

ClinVar aggregate classification (germline): Likely benign. Review status: criteria provided, multiple submitters, no conflicts (2 of 4 stars). 3 submissions from 3 submitters: Likely benign (2). 1 of the submissions does not count toward it. Last evaluated 2025-12-21.

Conditions:
CBL-related disorder. Also called: CBL MUTATION-ASSOCIATED SYNDROME; CBL SYNDROME; NOONAN SYNDROME-LIKE DISORDER WITHOUT JUVENILE MYELOMONOCYTIC LEUKEMIA. Identifiers: Orphanet 363972, MedGen C3150803, MONDO:0013308, OMIM 613563.
RASopathy. Also called: rasopathies; Noonan spectrum disorder. Identifiers: Orphanet 536391, MedGen C5555857, MONDO:0021060.
Cardiovascular phenotype. Identifiers: MedGen CN230736.

Allele frequency attached by ClinVar (database versions not stated): TOPMed below 0.00001; gnomAD 0.00001.
gnomAD v4.1: 4 of 1,614,080 alleles (0.00025%); highest among the groups gnomAD compares: African/African-American, 0.0027%; no homozygotes.

Submissions (3):

Labcorp Genetics (formerly Invitae), Labcorp
Classification: Likely benign for RASopathy. Last evaluated: 2025-12-21. Review status: criteria provided, single submitter. Criteria: Invitae Variant Classification Sherloc (09022015). Collection method: clinical testing. Allele origin: germline.

Ambry Genetics
Classification: Likely benign for Cardiovascular phenotype. Last evaluated: 2021-05-24. Review status: criteria provided, single submitter. Criteria: Ambry Variant Classification Scheme 2023. Collection method: clinical testing. Allele origin: germline.

PreventionGenetics, part of Exact Sciences
Classification: Likely benign for CBL-related condition. Last evaluated: 2020-12-18. Review status: no assertion criteria provided. Collection method: clinical testing. Allele origin: germline. Not counted in ClinVar's aggregate classification.
Comment: This variant is classified as likely benign based on ACMG/AMP sequence variant interpretation guidelines (Richards et al. 2015 PMID: 25741868, with internal and published modifications).